The following is an entry in ClinVar:

NM_001206927.2(DNAH8):c.6868G>A (p.Asp2290Asn)

Gene: DNAH8 (dynein axonemal heavy chain 8; plus strand). Cytogenetic location: 6p21.2.
Variant type: single nucleotide variant.
Coding change: c.6868G>A on transcript NM_001206927.2 (MANE Select); coding-DNA position 6868, G replaced by A.
Protein change: p.Asp2290Asn; replaces aspartic acid 2290 with asparagine.
Molecular consequence: missense variant.
Genome position (GRCh38, 1-based): chr6:38,870,440, G>A. VCF-style: chr6-38870440-G-A. GRCh37 (hg19) VCF-style: chr6-38838216-G-A.
Other names: c.6217G>A, p.Asp2073Asn (NM_001371.4); short protein forms D2073N, D2290N.
Identifiers: ClinVar variation 1387618 (VCV001387618.9), dbSNP rs374774952, ClinGen allele CA3789785.

ClinVar aggregate classification (germline): Uncertain significance. Review status: criteria provided, multiple submitters, no conflicts (2 of 4 stars). 3 submissions from 3 submitters: Uncertain significance (3). Last evaluated 2024-11-11.

Conditions:
Primary ciliary dyskinesia. Also called: Ciliary dyskinesia. Identifiers: Orphanet 244, MedGen C0008780, MONDO:0016575, HP:0012265.

Allele frequency attached by ClinVar (database versions not stated): gnomAD 0.00002 and 0.00004; gnomAD exomes 0.00004; TOPMed 0.00004; ExAC 0.00005; ESP Exome Variant Server 0.00008.
gnomAD v4.1: 59 of 1,613,848 alleles (0.0037%); highest among the groups gnomAD compares: South Asian, 0.031%; no homozygotes.

Submissions (3):

Labcorp Genetics (formerly Invitae), Labcorp
Classification: Uncertain significance for Primary ciliary dyskinesia. Last evaluated: 2024-11-11. Review status: criteria provided, single submitter. Criteria: Invitae Variant Classification Sherloc (09022015). Collection method: clinical testing. Allele origin: germline.
Comment: This sequence change replaces aspartic acid, which is acidic and polar, with asparagine, which is neutral and polar, at codon 2290 of the DNAH8 protein (p.Asp2290Asn). This variant is present in population databases (rs374774952, gnomAD 0.02%). This variant has not been reported in the literature in individuals affected with DNAH8-related conditions. ClinVar contains an entry for this variant (Variation ID: 1387618). Invitae Evidence Modeling of protein sequence and biophysical properties (such as structural, functional, and spatial information, amino acid conservation, physicochemical variation, residue mobility, and thermodynamic stability) indicates that this missense variant is expected to disrupt DNAH8 protein function with a positive predictive value of 80%. In summary, the available evidence is currently insufficient to determine the role of this variant in disease. Therefore, it has been classified as a Variant of Uncertain Significance.

Blueprint Genetics
Classification: Uncertain significance. Last evaluated: 2024-02-22. Review status: criteria provided, single submitter. Criteria: ACMG Guidelines, 2015. Collection method: clinical testing. Allele origin: germline.

Breakthrough Genomics
Classification: Uncertain significance. Review status: criteria provided, single submitter. Criteria: ACMG Guidelines, 2015. Collection method: not provided. Allele origin: germline. Inheritance: Autosomal recessive inheritance. Affected: yes.